The following is an entry in ClinVar:

ClinVar aggregate classification (germline): Uncertain significance (1 of 4 stars; one submission).

Conditions:
Inborn genetic diseases. Identifiers: MedGen C0950123, MeSH D030342.

Submission:

Ambry Genetics
Classification: Uncertain significance for Inborn genetic diseases. Last evaluated: 2023-06-21. Review status: criteria provided, single submitter. Criteria: Ambry Variant Classification Scheme 2023. Collection method: clinical testing. Allele origin: germline.
Comment: The p.R285P variant (also known as c.854G>C), located in coding exon 2 of the SMAD6 gene, results from a G to C substitution at nucleotide position 854. The arginine at codon 285 is replaced by proline, an amino acid with dissimilar properties. This amino acid position is conserved. In addition, the in silico prediction for this alteration is inconclusive. Since supporting evidence is limited at this time, the clinical significance of this alteration remains unclear.

NM_005585.5(SMAD6):c.854G>C (p.Arg285Pro)

Gene: SMAD6 (SMAD family member 6; plus strand). Cytogenetic location: 15q22.31.
Variant type: single nucleotide variant.
Coding change: c.854G>C on transcript NM_005585.5 (MANE Select); coding-DNA position 854, G replaced by C.
Protein change: p.Arg285Pro; replaces arginine 285 with proline.
Molecular consequence: missense variant. On other transcripts: non-coding transcript variant (1).
Genome position (GRCh38, 1-based): chr15:66,711,704, G>C. VCF-style: chr15-66711704-G-C. GRCh37 (hg19) VCF-style: chr15-67004042-G-C.
Other names: short protein forms R285P.
Identifiers: ClinVar variation 2587746 (VCV002587746.2), dbSNP rs201098141, ClinGen allele CA392951090.